The following is an entry in ClinVar:

NM_001267550.2(TTN):c.21017G>A (p.Arg7006Lys)

Genes: TTN (titin; minus strand), LOC126806428 (BRD4-independent group 4 enhancer GRCh37_chr2:179588362-179589561; plus strand). Cytogenetic location: 2q31.2.
Variant type: single nucleotide variant.
Coding change: c.21017G>A on transcript NM_001267550.2 (MANE Select); coding-DNA position 21017, G replaced by A.
Protein change: p.Arg7006Lys; replaces arginine 7006 with lysine.
Molecular consequence: missense variant. On other transcripts: intron variant (3).
Genome position (GRCh38, 1-based): chr2:178,724,358, C>T on the plus strand (G>A on the coding strand, the complement: TTN is on the minus strand). VCF-style: chr2-178724358-C-T. GRCh37 (hg19) VCF-style: chr2-179589085-C-T.
Other names: c.20066G>A, p.Arg6689Lys (NM_001256850.1); c.17285G>A, p.Arg5762Lys (NM_133378.4); c.13282+13724G>A (NM_003319.4); c.13858+13724G>A (NM_133437.4); c.13657+13724G>A (NM_133432.3); short protein forms R7006K, R5762K, R6689K.
Identifiers: ClinVar variation 2921074 (VCV002921074.1), dbSNP rs771200026, ClinGen allele CA2001094.
Genomic context (GRCh38, chr2:178,724,358, plus strand): 5'-ACATTATTTTGAACCTGGAAAGTGTATGTGCCTGCATCTTGCCTTTCAACTGAGAGAATC[C>T]TTAAGGAAGAGATTTTGTTGTAGAAGCTAAATTTGTGTTTTTGGCTGCTGGTCAACAGCT-3'
Protein context (NP_001254479.2, residues 6996-7016): FSFYNKISSL[Arg7006Lys]ILSVERQDAG

ClinVar aggregate classification (germline): Uncertain significance (1 of 4 stars; one submission).

Allele frequency attached by ClinVar (database versions not stated): gnomAD exomes below 0.00001; gnomAD 0.00001; ExAC 0.00002; TOPMed 0.00002.
gnomAD v4.1: 4 of 1,613,434 alleles (0.00025%); highest among the groups gnomAD compares: African/African-American, 0.0053%; no homozygotes.

Submission:

ARUP Laboratories, Molecular Genetics and Genomics, ARUP Laboratories
Classification: Uncertain significance. Last evaluated: 2023-09-28. Review status: criteria provided, single submitter. Criteria: ARUP Molecular Germline Variant Investigation Process 2024. Collection method: clinical testing. Allele origin: germline.
Comment: The TTN c.21017G>A; p.Arg7006Lys variant (rs771200026) is rare in the general population (<0.2% allele frequency in the Genome Aggregation Database) and has not been reported in the medical literature in association with dilated cardiomyopathy (DCM) or other TTN-related disease. The clinical relevance of rare missense variants in this gene, which are identified on average once per individual sequenced in affected populations (Herman 2012), is not well understood. Yet, evidence suggests that the vast majority of such missense variants do not contribute to the clinical outcome of DCM (Begay 2015). Thus, the clinical significance of the p.Arg7006Lys variant cannot be determined with certainty.